The following is an entry in ClinVar:

NM_004369.4(COL6A3):c.6394A>T (p.Asn2132Tyr)

Gene: COL6A3 (collagen type VI alpha 3 chain; minus strand). Cytogenetic location: 2q37.3.
Variant type: single nucleotide variant.
Coding change: c.6394A>T on transcript NM_004369.4 (MANE Select); coding-DNA position 6394, A replaced by T.
Protein change: p.Asn2132Tyr; replaces asparagine 2132 with tyrosine.
Molecular consequence: missense variant.
Genome position (GRCh38, 1-based): chr2:237,359,049, T>A on the plus strand (A>T on the coding strand, the complement: COL6A3 is on the minus strand). VCF-style: chr2-237359049-T-A. GRCh37 (hg19) VCF-style: chr2-238267692-T-A.
Other names: c.4573A>T, p.Asn1525Tyr (NM_057166.5); c.5776A>T, p.Asn1926Tyr (NM_057167.4); short protein forms N1926Y, N1525Y, N2132Y.
Identifiers: ClinVar variation 852110 (VCV000852110.13), dbSNP rs750889657, ClinGen allele CA2188317.

ClinVar aggregate classification (germline): Conflicting classifications of pathogenicity. Review status: criteria provided, conflicting classifications (1 of 4 stars). 3 submissions from 3 submitters: Uncertain significance (2); Likely benign (1). Last evaluated 2024-10-14.

Conditions:
Bethlem myopathy 1A. Also called: MYOPATHY, BENIGN CONGENITAL, WITH CONTRACTURES; Bethlem myopathy 1; Bethlem Muscular Dystrophy. Identifiers: Orphanet 610, MedGen CN029274, MONDO:0024530, OMIM 158810.

Allele frequency attached by ClinVar (database versions not stated): TOPMed 0.00002; gnomAD 0.00003 and 0.00002; ExAC 0.00001; gnomAD exomes 0.00001.
gnomAD v4.1: 17 of 1,614,030 alleles (0.0011%); highest among the groups gnomAD compares: Non-Finnish European, 0.0014%; no homozygotes.

Submissions (3):

Labcorp Genetics (formerly Invitae), Labcorp
Classification: Likely benign for Bethlem myopathy 1A. Last evaluated: 2024-10-14. Review status: criteria provided, single submitter. Criteria: Invitae Variant Classification Sherloc (09022015). Collection method: clinical testing. Allele origin: germline.

GeneDx
Classification: Uncertain significance. Last evaluated: 2019-08-20. Review status: criteria provided, single submitter. Criteria: GeneDx Variant Classification Process June 2021. Collection method: clinical testing. Allele origin: germline. Affected: yes.
Comment: Not observed at a significant frequency in large population cohorts (Lek et al., 2016); In silico analysis, which includes protein predictors and evolutionary conservation, supports a deleterious effect; Has not been previously published as pathogenic or benign to our knowledge

Revvity Omics, Revvity
Classification: Uncertain significance. Last evaluated: 2019-06-28. Review status: criteria provided, single submitter. Criteria: ACMG Guidelines, 2015. Collection method: clinical testing. Allele origin: germline.